The following is an entry in ClinVar:

NM_002700.3(POU4F3):c.424G>A (p.Ala142Thr)

Genes: POU4F3 (POU class 4 homeobox 3; plus strand), RBM27-POU4F3 (RBM27-POU4F3 readthrough; plus strand). Cytogenetic location: 5q32.
Variant type: single nucleotide variant.
Coding change: c.424G>A on transcript NM_002700.3 (MANE Select); coding-DNA position 424, G replaced by A.
Protein change: p.Ala142Thr; replaces alanine 142 with threonine.
Molecular consequence: missense variant. On other transcripts: 3 prime UTR variant (1).
Genome position (GRCh38, 1-based): chr5:146,339,851, G>A. VCF-style: chr5-146339851-G-A. GRCh37 (hg19) VCF-style: chr5-145719414-G-A.
Other names: c.*293G>A (NM_001414499.1); short protein forms A142T.
Identifiers: ClinVar variation 3365355 (VCV003365355.3).
Genomic context (GRCh38, chr5:146,339,851, plus strand): 5'-CACATCTCGCCCACGCTGAGTGTGAGCGGCCTGGGCGCTCCGGAACACTCGGTGATGCCC[G>A]CACAGATCCATCCACACCACCTGGGCGCCATGGGCCACCTGCACCAGGCCATGGGCATGA-3'
Protein context (NP_002691.1, residues 132-152): LGAPEHSVMP[Ala142Thr]QIHPHHLGAM

ClinVar aggregate classification (germline): Uncertain significance. Review status: criteria provided, multiple submitters, no conflicts (2 of 4 stars). 2 submissions from 2 submitters: Uncertain significance (2). Last evaluated 2026-09-12.

Conditions:
Inborn genetic diseases. Identifiers: MedGen C0950123, MeSH D030342.

Submissions (2):

GeneDx
Classification: Uncertain significance. Last evaluated: 2026-09-12. Review status: criteria provided, single submitter. Criteria: GeneDx Variant Classification Process June 2021. Collection method: clinical testing. Allele origin: germline.
Comment: In silico analysis suggests that this missense variant does not alter protein structure/function; Has not been previously published as pathogenic or benign to our knowledge

Ambry Genetics
Classification: Uncertain significance for Inborn genetic diseases. Last evaluated: 2024-08-21. Review status: criteria provided, single submitter. Criteria: Ambry Variant Classification Scheme 2023. Collection method: clinical testing. Allele origin: germline.